The following is an entry in ClinVar:

NM_001379500.1(COL18A1):c.3536T>C (p.Met1179Thr)

Genes: COL18A1 (collagen type XVIII alpha 1 chain; plus strand), SLC19A1 (solute carrier family 19 member 1; minus strand). Cytogenetic location: 21q22.3.
Variant type: single nucleotide variant.
Coding change: c.3536T>C on transcript NM_001379500.1 (MANE Select); coding-DNA position 3536, T replaced by C.
Protein change: p.Met1179Thr; replaces methionine 1179 with threonine.
Molecular consequence: missense variant.
Genome position (GRCh38, 1-based): chr21:45,510,104, T>C. VCF-style: chr21-45510104-T-C. GRCh37 (hg19) VCF-style: chr21-46930018-T-C.
Other names: c.4067T>C, p.Met1356Thr (NM_030582.4); c.4772T>C, p.Met1591Thr (NM_130444.3); short protein forms M1179T, M1591T, M1356T.
Identifiers: ClinVar variation 1464702 (VCV001464702.5), dbSNP rs982668614, ClinGen allele CA321923849.

ClinVar aggregate classification (germline): Uncertain significance (1 of 4 stars; one submission).

Allele frequency attached by ClinVar (database versions not stated): gnomAD exomes below 0.00001 and 0.00001; TOPMed 0.00002; gnomAD 0.00004 and 0.00005.

Submission:

Labcorp Genetics (formerly Invitae), Labcorp
Classification: Uncertain significance. Last evaluated: 2022-08-31. Review status: criteria provided, single submitter. Criteria: Invitae Variant Classification Sherloc (09022015). Collection method: clinical testing. Allele origin: germline.
Comment: This sequence change replaces methionine with threonine at codon 1176 of the COL18A1 protein (p.Met1176Thr). There is a moderate physicochemical difference between methionine and threonine. The frequency data for this variant in the population databases is considered unreliable, as metrics indicate poor data quality at this position in the gnomAD database. This variant has not been reported in the literature in individuals affected with COL18A1-related conditions. ClinVar contains an entry for this variant (Variation ID: 1464702). Experimental studies and prediction algorithms are not available or were not evaluated, and the functional significance of this variant is currently unknown. In summary, the available evidence is currently insufficient to determine the role of this variant in disease. Therefore, it has been classified as a Variant of Uncertain Significance.